The following is an entry in ClinVar:

ClinVar aggregate classification (germline): Pathogenic (1 of 4 stars; one submission).

Conditions:
Combined immunodeficiency due to DOCK8 deficiency (HIES2). Also called: HIES autosomal recessive; HYPER-IgE RECURRENT INFECTION SYNDROME 2, AUTOSOMAL RECESSIVE; Hyper-IgE recurrent infection syndrome, autosomal recessive; HYPER-IgE SYNDROME 2, AUTOSOMAL RECESSIVE, WITH RECURRENT INFECTIONS; DOCK8 Deficiency. Identifiers: Orphanet 217390, MedGen C4722305, MONDO:0009478, OMIM 243700.

Submission:

Labcorp Genetics (formerly Invitae), Labcorp
Classification: Pathogenic for Combined immunodeficiency due to DOCK8 deficiency. Last evaluated: 2017-11-06. Review status: criteria provided, single submitter. Criteria: Invitae Variant Classification Sherloc (09022015). Collection method: clinical testing. Allele origin: germline.
Comment: This variant is a gross deletion of the genomic region encompassing exons 3-48 of the DOCK8 gene. The 5' boundary is likely confined to intron 2. The 3' end of this event is unknown as it extends through the termination codon beyond the assayed region for this gene and may encompass additional genes. While this deletion is not anticipated to result in nonsense mediated decay, it is expected to create a severely truncated protein product or disrupt mRNA translation. Deletions of exons 3-48 have not been reported in the literature in individuals with DOCK8-related disease. Loss-of-function variants in DOCK8 are known to be pathogenic (PMID: 14722525, 19776401). For these reasons, this variant has been classified as Pathogenic.

NC_000009.12:g.(?_286441)_(464239_?)del

Genes: DOCK8 (dedicator of cytokinesis 8; plus strand), LOC126860552 (BRD4-independent group 4 enhancer GRCh37_chr9:285795-286994; plus strand). Cytogenetic location: 9p24.3.
Variant type: Deletion.
Identifiers: ClinVar variation 536619 (VCV000536619.1).